The following is an entry in ClinVar:

NM_001270974.2(HYDIN):c.15106T>C (p.Tyr5036His)

Gene: HYDIN (HYDIN axonemal central pair apparatus protein; minus strand). Cytogenetic location: 16q22.2.
Variant type: single nucleotide variant.
Coding change: c.15106T>C on transcript NM_001270974.2 (MANE Select); coding-DNA position 15106, T replaced by C.
Protein change: p.Tyr5036His; replaces tyrosine 5036 with histidine.
Molecular consequence: missense variant.
Genome position (GRCh38, 1-based): chr16:70,807,840, A>G on the plus strand (T>C on the coding strand, the complement: HYDIN is on the minus strand). VCF-style: chr16-70807840-A-G. GRCh37 (hg19) VCF-style: chr16-70841743-A-G.
Other names: short protein forms Y5036H.
Identifiers: ClinVar variation 4055821 (VCV004055821.1).

ClinVar aggregate classification (germline): Uncertain significance (1 of 4 stars; one submission).

gnomAD v4.1: 173 of 1,614,148 alleles (0.011%); highest among the groups gnomAD compares: African/African-American, 0.19%; no homozygotes.

Submission:

GeneDx
Classification: Uncertain significance. Last evaluated: 2025-01-02. Review status: criteria provided, single submitter. Criteria: GeneDx Variant Classification Process June 2021. Collection method: clinical testing. Allele origin: germline. Affected: yes.
Comment: In silico analysis indicates that this missense variant does not alter protein structure/function; Has not been previously published as pathogenic or benign to our knowledge